The following is an entry in ClinVar:

NC_000022.10:g.(?_19747167)_(19748823_?)dup

Gene: TBX1 (T-box transcription factor 1; plus strand). Cytogenetic location: 22q11.21.
Variant type: Duplication.
Identifiers: ClinVar variation 3247038 (VCV003247038.1).

ClinVar aggregate classification (germline): Uncertain significance (1 of 4 stars; one submission).

Conditions:
DiGeorge syndrome. Also called: Catch22; THIRD AND FOURTH PHARYNGEAL POUCH SYNDROME. Identifiers: Orphanet 567, MedGen C0012236, MONDO:0008564, OMIM 188400.

Submission:

Labcorp Genetics (formerly Invitae), Labcorp
Classification: Uncertain significance for DiGeorge syndrome. Last evaluated: 2023-08-25. Review status: criteria provided, single submitter. Criteria: Invitae Variant Classification Sherloc (09022015). Collection method: clinical testing. Allele origin: unknown.
Comment: In summary, the available evidence is currently insufficient to determine the role of this variant in disease. Therefore, it has been classified as a Variant of Uncertain Significance. Experimental studies and prediction algorithms are not available or were not evaluated, and the functional significance of this variant is currently unknown. This variant has not been reported in the literature in individuals affected with TBX1-related conditions. This variant results in a copy number gain of the genomic region encompassing exon(s) 2-3 of the TBX1 gene. This region includes the initiator codon of the gene. This copy number gain extends beyond the assayed region for this gene and therefore may encompass additional genes. As the precise location of this event is unknown, it may be in tandem or it may be located elsewhere in the genome.